The following is an entry in ClinVar:

ClinVar aggregate classification (germline): Likely benign. Review status: criteria provided, multiple submitters, no conflicts (2 of 4 stars). 4 submissions from 4 submitters: Likely benign (4). Last evaluated 2026-01-06.

Conditions:
FLNC-related disorder. Also called: FLNC-related condition; FLNC-related disorders.
Distal myopathy with posterior leg and anterior hand involvement. Also called: WILLIAMS DISTAL MYOPATHY. Identifiers: Orphanet 63273, MedGen C3279722, MONDO:0013550, OMIM 614065.
Hypertrophic cardiomyopathy 26. Also called: Cardiomyopathy, familial hypertrophic, 26. Identifiers: Orphanet 75249, MedGen C4310749, MONDO:0014883, OMIM 617047.
Myofibrillar myopathy 5. Also called: Filaminopathy (type); FILAMINOPATHY, AUTOSOMAL DOMINANT. Identifiers: Orphanet 171445, MedGen C1836050, MONDO:0012289, OMIM 609524.
Cardiovascular phenotype. Identifiers: MedGen CN230736.

Allele frequency attached by ClinVar (database versions not stated): gnomAD 0.00002; gnomAD exomes 0.00003; TOPMed 0.00003; ExAC 0.00005.
gnomAD v4.1: 53 of 1,607,524 alleles (0.0033%); highest among the groups gnomAD compares: Admixed American, 0.0051%; no homozygotes.

Submissions (4):

Labcorp Genetics (formerly Invitae), Labcorp
Classification: Likely benign for Distal myopathy with posterior leg and anterior hand involvement; Myofibrillar myopathy 5; Hypertrophic cardiomyopathy 26. Last evaluated: 2026-01-06. Review status: criteria provided, single submitter. Criteria: Invitae Variant Classification Sherloc (09022015). Collection method: clinical testing. Allele origin: germline.

PreventionGenetics, part of Exact Sciences
Classification: Likely benign for FLNC-related condition. Last evaluated: 2025-09-30. Review status: criteria provided, single submitter. Criteria: ACMG Guidelines, 2015. Collection method: clinical testing. Allele origin: germline.
Comment: This variant is classified as likely benign based on ACMG/AMP sequence variant interpretation guidelines (Richards et al. 2015 PMID: 25741868, with internal and published modifications).

CeGaT Center for Human Genetics Tuebingen
Classification: Likely benign. Last evaluated: 2024-08-01. Review status: criteria provided, single submitter. Criteria: CeGaT Center For Human Genetics Tuebingen Variant Classification Criteria Version 2. Collection method: clinical testing. Allele origin: germline. Affected: yes. Observed: 1 variant allele.
Comment: FLNC: BP4, BP7

Ambry Genetics
Classification: Likely benign for Cardiovascular phenotype. Last evaluated: 2020-02-10. Review status: criteria provided, single submitter. Criteria: Ambry Variant Classification Scheme 2023. Collection method: clinical testing. Allele origin: germline.

NM_001458.5(FLNC):c.2574C>T (p.His858=)

Gene: FLNC (filamin C; plus strand). Cytogenetic location: 7q32.1.
Variant type: single nucleotide variant.
Coding change: c.2574C>T on transcript NM_001458.5 (MANE Select); coding-DNA position 2574, C replaced by T.
Protein change: p.His858=; no amino-acid change (histidine 858 retained).
Molecular consequence: synonymous variant.
Genome position (GRCh38, 1-based): chr7:128,843,252, C>T. VCF-style: chr7-128843252-C-T. GRCh37 (hg19) VCF-style: chr7-128483306-C-T.
Other names: c.2574C>T, p.His858= (NM_001127487.2).
Identifiers: ClinVar variation 759578 (VCV000759578.30), dbSNP rs779819905, ClinGen allele CA4474784.